The following is an entry in ClinVar:

ClinVar aggregate classification (germline): Conflicting classifications of pathogenicity. Review status: criteria provided, conflicting classifications (1 of 4 stars). 21 submissions from 20 submitters: Uncertain significance (1); Benign (10); Likely benign (4). 6 of the submissions do not count toward it. Last evaluated 2026-09-01.

Conditions:
Cardiovascular phenotype. Identifiers: MedGen CN230736.
Cardiomyopathy (CMYO). Also called: Cardiomyopathies. Identifiers: Orphanet 167848, MedGen C0878544, MONDO:0004994, HP:0001638. Inheritance: Various modes of inheritance.
Lethal congenital glycogen storage disease of heart. Also called: GLYCOGEN STORAGE DISEASE OF HEART; PHOSPHORYLASE KINASE DEFICIENCY OF HEART. Identifiers: Orphanet 439854, MedGen C1849813, MONDO:0009867, OMIM 261740.
Wolff-Parkinson-White pattern. Also called: WPW SYNDROME; Auriculoventricular accessory pathway syndrome; False bundle branch block syndrome; Anomalous ventricular excitation syndrome. Identifiers: MedGen C0043202, MONDO:0008685, OMIM 194200, HP:0001716.
Hypertrophic cardiomyopathy 6. Identifiers: MedGen C1833236, MONDO:0010946, OMIM 600858.
Hypertrophic cardiomyopathy. Also called: HYPERTROPHIC MYOCARDIOPATHY. Identifiers: Orphanet 217569, MedGen C0007194, MeSH D002312, MONDO:0005045, HP:0001639.

Allele frequency attached by ClinVar (database versions not stated): gnomAD exomes 0.00242 and 0.00429; gnomAD 0.00259 and 0.00247; TOPMed 0.00287; ExAC 0.00197; ESP Exome Variant Server 0.00392; 1000 Genomes Project 30x 0.00094; 1000 Genomes Project 0.00100.
gnomAD v4.1: 6,621 of 1,605,746 alleles (0.41%); highest among the groups gnomAD compares: Non-Finnish European, 0.52%; 18 homozygotes.

Submissions (21):

CeGaT Center for Human Genetics Tuebingen
Classification: Likely benign. Last evaluated: 2026-09-01. Review status: criteria provided, single submitter. Criteria: CeGaT Center For Human Genetics Tuebingen Variant Classification Criteria Version 2. Collection method: clinical testing. Allele origin: germline. Affected: yes. Observed: 21 variant alleles.
Comment: PRKAG2: BP4, BP7, BS2

Labcorp Genetics (formerly Invitae), Labcorp
Classification: Benign for Lethal congenital glycogen storage disease of heart. Last evaluated: 2026-01-31. Review status: criteria provided, single submitter. Criteria: Invitae Variant Classification Sherloc (09022015). Collection method: clinical testing. Allele origin: germline.

ARUP Laboratories, Molecular Genetics and Genomics, ARUP Laboratories
Classification: Benign. Last evaluated: 2025-06-13. Review status: criteria provided, single submitter. Criteria: ARUP Molecular Germline Variant Investigation Process 2024. Collection method: clinical testing. Allele origin: germline.

Molecular Diagnostic Laboratory for Inherited Cardiovascular Disease, Montreal Heart Institute
Classification: Benign. Last evaluated: 2025-04-09. Review status: criteria provided, single submitter. Criteria: ACMG Guidelines, 2015. Collection method: clinical testing. Allele origin: germline. Affected: no.

Blueprint Genetics
Classification: Likely benign. Last evaluated: 2024-11-25. Review status: criteria provided, single submitter. Criteria: ACMG Guidelines, 2015. Collection method: clinical testing. Allele origin: germline.

Mayo Clinic Laboratories, Mayo Clinic
Classification: Benign. Last evaluated: 2024-06-21. Review status: criteria provided, single submitter. Criteria: ACMG Guidelines, 2015. Collection method: clinical testing. Allele origin: germline. Observed: 26 variant alleles.
Comment: BS1, BP4, BP7

Women's Health and Genetics/Laboratory Corporation of America, LabCorp
Classification: Benign. Last evaluated: 2018-05-29. Review status: criteria provided, single submitter. Criteria: LabCorp Variant Classification Summary - May 2015. Collection method: clinical testing. Allele origin: germline.
Comment: Variant summary: PRKAG2 c.111T>A alters a non-conserved nucleotide resulting in a synonymous change. 5/5 computational tools predict no significant impact on normal splicing. However, these predictions have yet to be confirmed by functional studies. The variant allele was found at a frequency of 0.0023 in 271072 control chromosomes in the gnomAD database, including 1 homozygotes. The observed variant frequency is approximately 94-folds higher than the estimated maximal expected allele frequency for a pathogenic variant in PRKAG2 causing Cardiomyopathy phenotype (2.5e-05), strongly suggesting that the variant is benign. To our knowledge, no occurrence of c.111T>A in individuals affected with Cardiomyopathy and no experimental evidence demonstrating its impact on protein function have been reported. Multiple ClinVar submissions from clinical diagnostic laboratories cite the variant predominantly as "likely benign/benign" (2x) and once as "uncertain significance." Based on the evidence outlined above, the variant was classified as benign.

Color Diagnostics, LLC DBA Color Health
Classification: Benign for Cardiomyopathy. Last evaluated: 2018-03-14. Review status: criteria provided, single submitter. Criteria: ACMG Guidelines, 2015. Collection method: clinical testing. Allele origin: germline.

Illumina Laboratory Services, Illumina
Classification: Uncertain significance for Hypertrophic cardiomyopathy 6. Last evaluated: 2018-01-12. Review status: criteria provided, single submitter. Criteria: ICSL Variant Classification Criteria 13 December 2019. Collection method: clinical testing. Allele origin: germline.

Illumina Laboratory Services, Illumina
Classification: Likely benign for Wolff-Parkinson-White pattern. Last evaluated: 2018-01-12. Review status: criteria provided, single submitter. Criteria: ICSL Variant Classification Criteria 13 December 2019. Collection method: clinical testing. Allele origin: germline.
Comment: This variant was observed in the ICSL laboratory as part of a predisposition screen in an ostensibly healthy population. It had not been previously curated by ICSL or reported in the Human Gene Mutation Database (HGMD: prior to June 1st, 2018), and was therefore a candidate for classification through an automated scoring system. Utilizing variant allele frequency, disease prevalence and penetrance estimates, and inheritance mode, an automated score was calculated to assess if this variant is too frequent to cause the disease. Based on the score and internal cut-off values, a variant classified as likely benign is not then subjected to further curation. The score for this variant resulted in a classification of likely benign for this disease.

CHEO Genetics Diagnostic Laboratory, Children's Hospital of Eastern Ontario
Classification: Benign for Cardiomyopathy. Last evaluated: 2017-10-30. Review status: criteria provided, single submitter. Criteria: ACMG Guidelines, 2015. Collection method: clinical testing. Allele origin: germline. Study: Canadian Open Genetics Repository.

Ambry Genetics
Classification: Likely benign for Cardiovascular phenotype. Last evaluated: 2016-07-28. Review status: criteria provided, single submitter. Criteria: Ambry Variant Classification Scheme 2023. Collection method: clinical testing. Allele origin: germline.

GeneDx
Classification: Benign. Last evaluated: 2015-03-03. Review status: criteria provided, single submitter. Criteria: GeneDx Variant Classification Process June 2021. Collection method: clinical testing. Allele origin: germline. Affected: yes.

Eurofins Ntd Llc (ga)
Classification: Benign. Last evaluated: 2014-11-21. Review status: criteria provided, single submitter. Criteria: EGL Classification Definitions 2015. Collection method: clinical testing. Allele origin: germline. Observed: 1 variant allele, 1 heterozygote.

Laboratory for Molecular Medicine, Mass General Brigham Personalized Medicine
Classification: Benign. Last evaluated: 2012-03-01. Review status: criteria provided, single submitter. Criteria: LMM Criteria. Collection method: clinical testing. Allele origin: germline. Observed: 33 variant alleles.
Comment: Ile37Ile in exon 1 of PRKAG2: This variant is not expected to have clinical sign ificance because it does not alter an amino acid residue and has been identified in 0.5% (33/7020) of European American chromosomes from a broad population by t he NHLBI Exome Sequencing Project (dbSNP rs144 426409).

Cohesion Phenomics
Classification: Benign for Hypertrophic Cardiomyopathy. Last evaluated: 2022-09-29. Review status: no assertion criteria provided. Criteria: ACMG Guidelines, 2015. Collection method: clinical testing. Allele origin: germline. Affected: yes. Not counted in ClinVar's aggregate classification.

Clinical Genetics DNA and cytogenetics Diagnostics Lab, Erasmus MC, Erasmus Medical Center
Classification: Benign. Review status: no assertion criteria provided. Collection method: clinical testing. Allele origin: germline. Affected: yes. Study: VKGL Data-share Consensus. Not counted in ClinVar's aggregate classification.

Clinical Genetics, Academic Medical Center
Classification: Benign. Review status: no assertion criteria provided. Collection method: clinical testing. Allele origin: germline. Affected: yes. Study: VKGL Data-share Consensus. Not counted in ClinVar's aggregate classification.

Diagnostic Laboratory, Department of Genetics, University Medical Center Groningen
Classification: Likely benign. Review status: no assertion criteria provided. Collection method: clinical testing. Allele origin: germline. Affected: yes. Study: VKGL Data-share Consensus. Not counted in ClinVar's aggregate classification.

Genome Diagnostics Laboratory, University Medical Center Utrecht
Classification: Benign. Review status: no assertion criteria provided. Collection method: clinical testing. Allele origin: germline. Affected: yes. Study: VKGL Data-share Consensus. Not counted in ClinVar's aggregate classification.

Joint Genome Diagnostic Labs from Nijmegen and Maastricht, Radboudumc and MUMC+
Classification: Benign. Review status: no assertion criteria provided. Collection method: clinical testing. Allele origin: germline. Affected: yes. Study: VKGL Data-share Consensus. Not counted in ClinVar's aggregate classification.

NM_016203.4(PRKAG2):c.111T>A (p.Ile37=)

Gene: PRKAG2 (protein kinase AMP-activated non-catalytic subunit gamma 2; minus strand). Cytogenetic location: 7q36.1.
Variant type: single nucleotide variant.
Coding change: c.111T>A on transcript NM_016203.4 (MANE Select); coding-DNA position 111, T replaced by A.
Protein change: p.Ile37=; no amino-acid change (isoleucine 37 retained).
Molecular consequence: synonymous variant.
Genome position (GRCh38, 1-based): chr7:151,876,510, A>T on the plus strand (T>A on the coding strand, the complement: PRKAG2 is on the minus strand). VCF-style: chr7-151876510-A-T. GRCh37 (hg19) VCF-style: chr7-151573595-A-T.
Other names: p.Ile37=.
Identifiers: ClinVar variation 45688 (VCV000045688.81), dbSNP rs144426409, ClinGen allele CA013584.